The following is an entry in ClinVar:

NM_004958.4(MTOR):c.1942G>T (p.Ala648Ser)

Gene: MTOR (mechanistic target of rapamycin kinase; minus strand). Cytogenetic location: 1p36.22.
Variant type: single nucleotide variant.
Coding change: c.1942G>T on transcript NM_004958.4 (MANE Select); coding-DNA position 1942, G replaced by T.
Protein change: p.Ala648Ser; replaces alanine 648 with serine.
Molecular consequence: missense variant.
Genome position (GRCh38, 1-based): chr1:11,238,462, C>A on the plus strand (G>T on the coding strand, the complement: MTOR is on the minus strand). VCF-style: chr1-11238462-C-A. GRCh37 (hg19) VCF-style: chr1-11298519-C-A.
Other names: c.1942G>T, p.Ala648Ser (NM_001386500.1); c.694G>T, p.Ala232Ser (NM_001386501.1); short protein forms A232S, A648S.
Identifiers: ClinVar variation 4775793 (VCV004775793.1).
Genomic context (GRCh38, chr1:11,238,462, plus strand): 5'-CAGGATCTGTTATCCCAACTACGAGCAGTTTGCTAAGCACATCTGCCACCACTTGCACTG[C>A]GGTCTGGCTAACCACATGAGCATGGCCACTGATGAGGTGGATGGAGGGTGTGAGCAGGCG-3'
Protein context (NP_004949.1, residues 638-658): SGHAHVVSQT[Ala648Ser]VQVVADVLSK

ClinVar aggregate classification (germline): Uncertain significance (1 of 4 stars; one submission).

gnomAD v4.1: 10 of 1,614,206 alleles (0.00062%); highest among the groups gnomAD compares: Non-Finnish European, 0.00085%; no homozygotes.

Submission:

Labcorp Genetics (formerly Invitae), Labcorp
Classification: Uncertain significance. Last evaluated: 2025-10-23. Review status: criteria provided, single submitter. Criteria: Invitae Variant Classification Sherloc (09022015). Collection method: clinical testing. Allele origin: germline.
Comment: This sequence change replaces alanine, which is neutral and non-polar, with serine, which is neutral and polar, at codon 648 of the MTOR protein (p.Ala648Ser). This variant is not present in population databases (gnomAD no frequency). This variant has not been reported in the literature in individuals affected with MTOR-related conditions. Invitae Evidence Modeling of protein sequence and biophysical properties (such as structural, functional, and spatial information, amino acid conservation, physicochemical variation, residue mobility, and thermodynamic stability) indicates that this missense variant is not expected to disrupt MTOR protein function with a negative predictive value of 95%. In summary, the available evidence is currently insufficient to determine the role of this variant in disease. Therefore, it has been classified as a Variant of Uncertain Significance.